The following is an entry in ClinVar:

NM_000370.3(TTPA):c.122del (p.Pro41fs)

Gene: TTPA (alpha tocopherol transfer protein; minus strand). Cytogenetic location: 8q12.3.
Variant type: Deletion.
Coding change: c.122del on transcript NM_000370.3 (MANE Select); coding-DNA position 122, one base deleted (C; older notation c.122delC).
Protein change: p.Pro41fs; shifts the reading frame from proline 41.
Molecular consequence: frameshift variant. On other transcripts: non-coding transcript variant (3).
Genome position (GRCh38, 1-based): chr8:63,085,900, G deleted on the plus strand (C on the coding strand, the reverse complement: TTPA is on the minus strand); the first of 3 consecutive G bases (chr8:63,085,900-63,085,902); deleting any one gives the same sequence. VCF-style (leftmost placement, unchanged base first): chr8-63085899-CG-C. GRCh37 (hg19) VCF-style: chr8-63998458-CG-C.
Other names: c.122del, p.Pro41fs (NM_001413414.1, NM_001413415.1, NM_001413416.1 and 2 more transcripts); short protein forms P41fs.
Identifiers: ClinVar variation 4818271 (VCV004818271.1).

ClinVar aggregate classification (germline): Likely pathogenic (1 of 4 stars; one submission).

Conditions:
Familial isolated deficiency of vitamin E (AVED). Also called: ATAXIA, FRIEDREICH-LIKE, WITH SELECTIVE VITAMIN E DEFICIENCY; Ataxia with isolated vitamin E deficiency. Identifiers: Orphanet 96, MedGen C1848533, MONDO:0010188, OMIM 277460.

Submission:

Natera, Inc.
Classification: Likely pathogenic for Ataxia with isolated vitamin E deficiency. Last evaluated: 2024-10-22. Review status: criteria provided, single submitter. Criteria: Natera Variant Classification Schema (03/2026). Collection method: clinical testing. Allele origin: germline.
Comment: The c.122del variant in TTPA is a frameshift variant predicted to shift the reading frame beginning at codon 41 and leads to a stop codon 30 codons downstream. This variant is expected to result in nonsense mediated decay, truncation, or a dysfunctional protein product. This variant is rare in the general population with a frequency below the threshold expected for the associated phenotype(s). Given the available evidence, this variant is classified as Likely Pathogenic.